The following is an entry in ClinVar:

NC_012920.1(MT-CYB):m.15215G>A

Gene: MT-CYB (mitochondrially encoded cytochrome b; plus strand).
Variant type: single nucleotide variant.
Genome position: chrM-15215-G-A.
Identifiers: ClinVar variation 2687510 (VCV002687510.2), dbSNP rs2520748309, ClinGen allele CA913173262.

ClinVar aggregate classification (germline): Likely pathogenic (1 of 4 stars; one submission).

Conditions:
MELAS syndrome (MELAS). Also called: Juvenile myopathy, encephalopathy, lactic acidosis, stroke. Identifiers: Orphanet 550, MedGen C0162671, MONDO:0010789, OMIM 540000.

Submission:

Unidad de Genómica Garrahan, Hospital de Pediatría Garrahan
Classification: Likely pathogenic for MELAS syndrome. Last evaluated: 2024-01-16. Review status: criteria provided, single submitter. Criteria: ACMG Mitochondrial DNA Guidelines, 2020. Collection method: clinical testing. Allele origin: de novo. Affected: yes.
Comment: The variant NC_012920.1:m.15215G>A (YP_003024038.1:p.Gly157*) in the MT-CYB gene is interpreted as Likely pathogenic according to the applied mitochondrial DNA-specific ACMG/AMP guidelines (PMID: 32906214). This variant meets the following evidence criteria: PVS1 strong: a stop variant, 15215G>A, predicting a gly157* truncation of the protein with loss of 223 amino acids, representing 59% of the C terminus of cytochrome b. PM2 supp: not found in population database (gnomAD, MITOmap) PS2 supp: the variant is de novo, since it was not detected in a blood sample from the mother studied by NGS (identical mitochondrial dna sequence). PM8: Heteroplasmy level among different patient tissues correlates with the clinical phenotype. Muscle Biopsy = 92%, Urinary Epithelial Cells = 87% and Blood = 51%.

Literature cited by the submitters: PubMed 22638077.